The following is an entry in ClinVar:

ClinVar aggregate classification (germline): Uncertain significance (1 of 4 stars; one submission).

Allele frequency attached by ClinVar (database versions not stated): gnomAD exomes below 0.00001.
gnomAD v4.1: 2 of 1,613,966 alleles (0.00012%); highest among the groups gnomAD compares: East Asian, 0.0045%; no homozygotes.

Submission:

GeneDx
Classification: Uncertain significance. Last evaluated: 2017-01-26. Review status: criteria provided, single submitter. Criteria: GeneDx Variant Classification (06012015). Collection method: clinical testing. Allele origin: germline. Affected: yes.
Comment: The D395A variant in the DEPDC5 gene has not been reported previously as a pathogenic variant, nor as a benign variant, to our knowledge. The D395A variant was not observed in approximately 6,000 individuals of European and African American ancestry in the NHLBI Exome Sequencing Project, indicating it is not a common benign variant in these populations. The D395A variant is a non-conservative amino acid substitution, which is likely to impact secondary protein structure as these residues differ in polarity, charge, size and/or other properties. This substitution occurs at a position that is conserved across species. In silico analysis predicts this variant is probably damaging to the protein structure/function. We interpret D395A as a variant of uncertain significance.

NM_001242896.3(DEPDC5):c.1184A>C (p.Asp395Ala)

Gene: DEPDC5 (DEP domain containing 5, GATOR1 subcomplex subunit; plus strand). Cytogenetic location: 22q12.3.
Variant type: single nucleotide variant.
Coding change: c.1184A>C on transcript NM_001242896.3 (MANE Select); coding-DNA position 1184, A replaced by C.
Protein change: p.Asp395Ala; replaces aspartic acid 395 with alanine.
Molecular consequence: missense variant. On other transcripts: non-coding transcript variant (5).
Genome position (GRCh38, 1-based): chr22:31,804,882, A>C. VCF-style: chr22-31804882-A-C. GRCh37 (hg19) VCF-style: chr22-32200868-A-C.
Other names: c.1184A>C, p.Asp395Ala (NM_001007188.4, NM_001136029.4, NM_001242897.2 and 7 more transcripts); c.1100A>C, p.Asp367Ala (NM_001369901.1, NM_001369902.1); short protein forms D395A, D367A.
Identifiers: ClinVar variation 423066 (VCV000423066.2), dbSNP rs1064796205, ClinGen allele CA16621105.